The following is an entry in ClinVar:

NM_017534.6(MYH2):c.2390G>T (p.Arg797Met)

Genes: MYH2 (myosin heavy chain 2; minus strand), MYHAS (myosin heavy chain gene cluster antisense RNA; plus strand). Cytogenetic location: 17p13.1.
Variant type: single nucleotide variant.
Coding change: c.2390G>T on transcript NM_017534.6 (MANE Select); coding-DNA position 2390, G replaced by T.
Protein change: p.Arg797Met; replaces arginine 797 with methionine.
Molecular consequence: missense variant.
Genome position (GRCh38, 1-based): chr17:10,533,336, C>A on the plus strand (G>T on the coding strand, the complement: MYH2 is on the minus strand). VCF-style: chr17-10533336-C-A. GRCh37 (hg19) VCF-style: chr17-10436653-C-A.
Other names: c.2390G>T, p.Arg797Met (NM_001100112.2); short protein forms R797M.
Identifiers: ClinVar variation 945683 (VCV000945683.10), dbSNP rs771139007, ClinGen allele CA8391139.

ClinVar aggregate classification (germline): Uncertain significance. Review status: criteria provided, multiple submitters, no conflicts (2 of 4 stars). 3 submissions from 3 submitters: Uncertain significance (3). Last evaluated 2022-07-26.

Conditions:
Myopathy, proximal, and ophthalmoplegia (CMYO6). Also called: MYOPATHY WITH CONGENITAL JOINT CONTRACTURES, OPHTHALMOPLEGIA, AND RIMMED VACUOLES; INCLUSION BODY MYOPATHY 3, AUTOSOMAL DOMINANT; CONGENITAL MYOPATHY 6 WITH OPHTHALMOPLEGIA. Identifiers: Orphanet 363677, Orphanet 79091, MedGen C1854106, MONDO:0011577, OMIM 605637.

Allele frequency attached by ClinVar (database versions not stated): TOPMed below 0.00001; gnomAD exomes 0.00001; ExAC 0.00002.
gnomAD v4.1: 4 of 1,614,230 alleles (0.00025%); highest among the groups gnomAD compares: Non-Finnish European, 0.00025%; no homozygotes.

Submissions (3):

Blueprint Genetics
Classification: Uncertain significance. Last evaluated: 2022-07-26. Review status: criteria provided, single submitter. Criteria: ACMG Guidelines, 2015. Collection method: clinical testing. Allele origin: germline.

Labcorp Genetics (formerly Invitae), Labcorp
Classification: Uncertain significance for Myopathy, proximal, and ophthalmoplegia. Last evaluated: 2022-07-25. Review status: criteria provided, single submitter. Criteria: Invitae Variant Classification Sherloc (09022015). Collection method: clinical testing. Allele origin: germline.
Comment: This sequence change replaces arginine, which is basic and polar, with methionine, which is neutral and non-polar, at codon 797 of the MYH2 protein (p.Arg797Met). This variant is present in population databases (rs771139007, gnomAD 0.0009%). This missense change has been observed in individual(s) with MYH2-related conditions (Invitae). ClinVar contains an entry for this variant (Variation ID: 945683). Algorithms developed to predict the effect of missense changes on protein structure and function output the following: SIFT: "Tolerated"; PolyPhen-2: "Benign"; Align-GVGD: "Class C0". The methionine amino acid residue is found in multiple mammalian species, which suggests that this missense change does not adversely affect protein function. In summary, the available evidence is currently insufficient to determine the role of this variant in disease. Therefore, it has been classified as a Variant of Uncertain Significance.

Revvity Omics, Revvity
Classification: Uncertain significance for Myopathy, proximal, and ophthalmoplegia. Last evaluated: 2020-03-16. Review status: criteria provided, single submitter. Criteria: ACMG Guidelines, 2015. Collection method: clinical testing. Allele origin: germline.